The following is an entry in ClinVar:

NM_001101362.3(KBTBD13):c.1003G>A (p.Glu335Lys)

Gene: KBTBD13 (kelch repeat and BTB domain containing 13; plus strand). Cytogenetic location: 15q22.31.
Variant type: single nucleotide variant.
Coding change: c.1003G>A on transcript NM_001101362.3 (MANE Select); coding-DNA position 1003, G replaced by A.
Protein change: p.Glu335Lys; replaces glutamic acid 335 with lysine.
Molecular consequence: missense variant.
Genome position (GRCh38, 1-based): chr15:65,077,818, G>A. VCF-style: chr15-65077818-G-A. GRCh37 (hg19) VCF-style: chr15-65370156-G-A.
Other names: short protein forms E335K.
Identifiers: ClinVar variation 3666585 (VCV003666585.2).

ClinVar aggregate classification (germline): Uncertain significance (1 of 4 stars; one submission).

Conditions:
Nemaline myopathy 6 (NEM6). Also called: Nemaline myopathy 6, autosomal dominant. Identifiers: Orphanet 171439, MedGen C1836472, MONDO:0012237, OMIM 609273.

gnomAD v4.1: 2 of 1,604,644 alleles (0.00012%); highest among the groups gnomAD compares: South Asian, 0.0011%; no homozygotes.

Submission:

Labcorp Genetics (formerly Invitae), Labcorp
Classification: Uncertain significance for Nemaline myopathy 6. Last evaluated: 2025-10-02. Review status: criteria provided, single submitter. Criteria: Invitae Variant Classification Sherloc (09022015). Collection method: clinical testing. Allele origin: germline.
Comment: This sequence change replaces glutamic acid, which is acidic and polar, with lysine, which is basic and polar, at codon 335 of the KBTBD13 protein (p.Glu335Lys). This variant is present in population databases (rs749801900, gnomAD 0.001%). This variant has not been reported in the literature in individuals affected with KBTBD13-related conditions. ClinVar contains an entry for this variant (Variation ID: 3666585). Invitae Evidence Modeling of protein sequence and biophysical properties (such as structural, functional, and spatial information, amino acid conservation, physicochemical variation, residue mobility, and thermodynamic stability) indicates that this missense variant is not expected to disrupt KBTBD13 protein function with a negative predictive value of 80%. In summary, the available evidence is currently insufficient to determine the role of this variant in disease. Therefore, it has been classified as a Variant of Uncertain Significance.